The following is an entry in ClinVar:

ClinVar aggregate classification (germline): Pathogenic. Review status: reviewed by expert panel (3 of 4 stars). 34 submissions from 34 submitters: Pathogenic (1). 33 of the submissions do not count toward it. Last evaluated 2025-01-08.

Conditions:
Sarcoglycanopathy. Identifiers: Orphanet 207052, MedGen C2936331, MONDO:0016140.
SGCA-related disorder. Also called: SGCA-related condition.
Autosomal recessive limb-girdle muscular dystrophy. Identifiers: Orphanet 102015, MedGen C2931907, MONDO:0015152.
Limb-girdle muscular dystrophy (LGMD). Also called: Muscular Dystrophies, Limb-Girdle. Identifiers: Orphanet 263, MedGen C0686353, MeSH D049288, MONDO:0016971, HP:0006785.
Autosomal recessive limb-girdle muscular dystrophy type 2D (LGMDR3). Also called: ADHALINOPATHY, PRIMARY; DUCHENNE-LIKE AUTOSOMAL RECESSIVE MUSCULAR DYSTROPHY, TYPE 2; MUSCULAR DYSTROPHY, LIMB-GIRDLE, AUTOSOMAL RECESSIVE 3. Identifiers: Orphanet 62, MedGen C2936332, MONDO:0011968, OMIM 608099. Disease mechanism: Affects gamma-sarcoglycan and also disrupts the integrity of the entire sarcoglycan complex..
Abnormality of the musculature. Identifiers: MedGen C4021745, HP:0003011.

Allele frequency attached by ClinVar (database versions not stated): gnomAD 0.00046 and 0.00044; 1000 Genomes Project 30x 0.00062; ExAC 0.00042; gnomAD exomes 0.00048 and 0.00046; 1000 Genomes Project 0.00060; TOPMed 0.00032.
gnomAD v4.1: 758 of 1,613,932 alleles (0.047%); highest among the groups gnomAD compares: Non-Finnish European, 0.052%; no homozygotes.

Submissions 1 to 10 of 34:

ClinGen Limb Girdle Muscular Dystrophy Variant Curation Expert Panel, ClinGen
Classification: Pathogenic for Autosomal recessive limb-girdle muscular dystrophy. Last evaluated: 2025-01-08. Review status: reviewed by expert panel. Criteria: ClinGen LGMD VCEP ACMG Specifications SGCA V1.0.0. Collection method: curation. Allele origin: germline. Inheritance: Autosomal recessive inheritance.
Comment: The NM_000023.4: c.229C>T variant in SGCA is a missense variant predicted to cause substitution of arginine by cysteine at amino acid 77 (p.Arg77Cys). This variant has been detected in at least 12 individuals with symptoms of limb girdle muscular dystrophy. Of those individuals, two were confirmed compound heterozygous for the variant and a pathogenic or likely pathogenic variant (c.850C>T, 2 pts, PMID: 12566530, LOVD Individual #0000223892), and at least two were homozygous for the variant (1 pt, PMID: 12566530, 23989969, 7663524, 37628638) (PM3_Strong). The variant has been reported to segregate with autosomal recessive limb girdle muscular dystrophy in 10 affected family members from five families (PP1_Strong; LOVD Individual #0000223892, PMID: 12566530, 7663524). At least one patient with this variant displayed progressive limb girdle muscle weakness and reduced alpha-sarcoglycan protein expression, which is highly specific for SGCA-related LGMD (PMID: 7663524; PP4) (capped with PP1_Strong). The filtering allele frequency of this variant is 0.0004392 (the lower threshold of the 95% CI of 62/112872 exome chromosomes) in the European (non-Finnish) population in gnomAD v2.1.1, which is lower than the ClinGen LGMD VCEP threshold (>0.0009) for BS1 (BS1, PM2_Supporting not met). In vitro assays have demonstrated this variant disrupts membrane localization of the sarcoglycan protein complex (PMID: 18535179; PS3_Supporting), and the computational predictor REVEL gives a score of 0.95, which exceeds the threshold of ≥0.70, evidence that correlates with impact to SGCA function (PP3). In summary, this variant meets the criteria to be classified as Pathogenic for autosomal recessive limb girdle muscular dystrophy based on the ACMG/AMP criteria applied, as specified by the ClinGen LGMD VCEP (LGMD VCEP specifications version 1.0.0; 01/08/2025): PM3_Strong, PP1_Strong, PP4, PP3, PS3_Supporting.

Institute of Human Genetics, Heidelberg University
Classification: Pathogenic for Autosomal recessive limb-girdle muscular dystrophy type 2D. Last evaluated: 2026-03-04. Review status: criteria provided, single submitter. Criteria: ACMG Guidelines, 2015. Collection method: clinical testing. Allele origin: maternal. Affected: yes. Observed: 2 variant alleles. Not counted in ClinVar's aggregate classification.
Comment: PM3_vs, PM2_supp, PP3_str, PS3_supp, PP4_supp, PP1_str

Labcorp Genetics (formerly Invitae), Labcorp
Classification: Pathogenic for Autosomal recessive limb-girdle muscular dystrophy type 2D. Last evaluated: 2026-01-21. Review status: criteria provided, single submitter. Criteria: Invitae Variant Classification Sherloc (09022015). Collection method: clinical testing. Allele origin: germline. Not counted in ClinVar's aggregate classification.
Comment: This sequence change replaces arginine, which is basic and polar, with cysteine, which is neutral and slightly polar, at codon 77 of the SGCA protein (p.Arg77Cys). This variant is present in population databases (rs28933693, gnomAD 0.2%), and has an allele count higher than expected for a pathogenic variant. This missense change has been observed in individual(s) with limb girdle muscular dystrophy type 2D (PMID: 7663524, 9032047, 9153448, 9192266, 15298081, 18285821, 18421900, 21856579, 25135358). In at least one individual the data is consistent with being in trans (on the opposite chromosome) from a pathogenic variant. It has also been observed to segregate with disease in related individuals. ClinVar contains an entry for this variant (Variation ID: 9437). Invitae Evidence Modeling of protein sequence and biophysical properties (such as structural, functional, and spatial information, amino acid conservation, physicochemical variation, residue mobility, and thermodynamic stability) has been performed for this missense variant. However, the output from this modeling did not meet the statistical confidence thresholds required to predict the impact of this variant on SGCA protein function. Experimental studies have shown that this missense change affects SGCA function (PMID: 16787395, 18252745, 22095924). For these reasons, this variant has been classified as Pathogenic.

CeGaT Center for Human Genetics Tuebingen
Classification: Pathogenic. Last evaluated: 2025-12-01. Review status: criteria provided, single submitter. Criteria: CeGaT Center For Human Genetics Tuebingen Variant Classification Criteria Version 2. Collection method: clinical testing. Allele origin: germline. Affected: yes. Observed: 5 variant alleles. Not counted in ClinVar's aggregate classification.
Comment: SGCA: PM3:Very Strong, PM2, PS3:Supporting

Dasa
Classification: Pathogenic. Last evaluated: 2025-10-29. Review status: criteria provided, single submitter. Criteria: DASA Assertion Criteria. Collection method: clinical testing. Allele origin: germline. Not counted in ClinVar's aggregate classification.
Comment: NM_000023.4(SGCA):c.229C>T (p.Arg77Cys) is a missense variant that results in the substitution of arginine with cysteine. Segregation evidence has been reported in affected families. This variant has been observed in affected individuals with related phenotype in a genotype context consistent with recessive disease (PMID: 12566530; PMID: 23989969; PMID: 7663524; PMID: 37628638; PMID: 18535179). Functional evidence supports a deleterious effect on the gene or gene product (PMID: 12566530; PMID: 23989969; PMID: 7663524; PMID: 37628638; PMID: 18535179). This variant has been recurrently observed in individuals with related phenotype (PMID: 12566530; PMID: 23989969; PMID: 7663524; PMID: 37628638; PMID: 18535179). Multiple computational predictions support a deleterious effect on the gene or gene product. The variant is present at low frequency in population datasets. Based on the available data, this variant is classified as pathogenic.

PreventionGenetics, part of Exact Sciences
Classification: Pathogenic for SGCA-related condition. Last evaluated: 2025-09-08. Review status: criteria provided, single submitter. Criteria: ACMG Guidelines, 2015. Collection method: clinical testing. Allele origin: germline. Not counted in ClinVar's aggregate classification.
Comment: The SGCA c.229C>T variant is predicted to result in the amino acid substitution p.Arg77Cys. This variant has been reported many times as causative for limb girdle muscular dystrophy (see for examples Bueno et al. 1995. PubMed ID: 8528203; Trabelsi et al. 2008. PubMed ID: 18285821). This variant is reported in 0.19% of alleles in individuals of European (Finnish) descent in gnomAD. This variant is interpreted as pathogenic.

Natera, Inc.
Classification: Pathogenic for Limb-girdle muscular dystrophy type 2D. Last evaluated: 2025-04-17. Review status: criteria provided, single submitter. Criteria: Natera Variant Classification Schema (03/2026). Collection method: clinical testing. Allele origin: germline. Not counted in ClinVar's aggregate classification.
Comment: The c.229C>T variant in SGCA is a missense variant predicted to cause substitution of arginine to cysteine at amino acid 77. This variant is rare in the general population with a frequency below the threshold expected for the associated phenotype(s). This variant has been observed in one or more individuals affected with the associated recessive disease, as either homozygous or compound heterozygous with a second variant (PMID: 25135358). Computational prediction algorithms indicate this variant is likely to affect gene or protein function. Given the available evidence, this variant is classified as Pathogenic.

Institute of Human Genetics, University of Leipzig Medical Center
Classification: Pathogenic for Autosomal recessive limb-girdle muscular dystrophy type 2D. Last evaluated: 2025-04-08. Review status: criteria provided, single submitter. Criteria: ACMG Guidelines, 2015. Collection method: clinical testing. Allele origin: unknown. Inheritance: Autosomal recessive inheritance. Affected: yes. Not counted in ClinVar's aggregate classification.
Comment: Criteria applied: PM3_STR,PP1_STR,PS3_SUP,PP3

First Genomix Gene Laboratory, Genetic Diagnostics Department
Classification: Pathogenic for Autosomal recessive limb-girdle muscular dystrophy type 2D. Last evaluated: 2025-03-18. Review status: criteria provided, single submitter. Criteria: ACMG Guidelines, 2015. Collection method: clinical testing. Allele origin: germline. Inheritance: Autosomal recessive inheritance. Affected: no. Observed: 1 variant allele. Not counted in ClinVar's aggregate classification.

Revvity Omics, Revvity
Classification: Pathogenic for Autosomal recessive limb-girdle muscular dystrophy type 2D. Last evaluated: 2025-03-18. Review status: criteria provided, single submitter. Criteria: ACMG Guidelines, 2015. Collection method: clinical testing. Allele origin: germline. Not counted in ClinVar's aggregate classification.

NM_000023.4(SGCA):c.229C>T (p.Arg77Cys)

Gene: SGCA (sarcoglycan alpha; plus strand). Cytogenetic location: 17q21.33.
Variant type: single nucleotide variant.
Coding change: c.229C>T on transcript NM_000023.4 (MANE Select); coding-DNA position 229, C replaced by T.
Protein change: p.Arg77Cys; replaces arginine 77 with cysteine.
Molecular consequence: missense variant. On other transcripts: non-coding transcript variant (1).
Genome position (GRCh38, 1-based): chr17:50,167,653, C>T. VCF-style: chr17-50167653-C-T. GRCh37 (hg19) VCF-style: chr17-48245014-C-T.
Other names: NM_000023.4(SGCA):c.229C>T; c.229C>T, p.Arg77Cys (NM_001135697.3); short protein forms R77C.
Identifiers: ClinVar variation 9437 (VCV000009437.134), dbSNP rs28933693, ClinGen allele CA120427.